The following is an entry in ClinVar:

ClinVar aggregate classification (germline): Likely pathogenic (1 of 4 stars; one submission).

Conditions:
Spondyloepimetaphyseal dysplasia, Missouri type. Identifiers: Orphanet 1040, Orphanet 93356, MedGen C1865832, MONDO:0011198, OMIM 602111.

Submission:

Gene Mapping Laboratory, Hacettepe University
Classification: Likely pathogenic for Spondyloepimetaphyseal dysplasia, Missouri type. Last evaluated: 2026-10-23. Review status: criteria provided, single submitter. Criteria: ACMG Guidelines, 2015. Collection method: research. Allele origin: paternal. Inheritance: Autosomal dominant inheritance. Affected: yes. Observed: 1 variant allele, 1 heterozygote.
Comment: This variant affects a canonical splice acceptor site and is predicted to disrupt normal RNA splicing (PVS1). This variant is rare in population databases (PM2).

NM_002427.4(MMP13):c.363-1G>C

Gene: MMP13 (matrix metallopeptidase 13; minus strand). Cytogenetic location: 11q22.2.
Variant type: single nucleotide variant.
Coding change: c.363-1G>C on transcript NM_002427.4 (MANE Select); the canonical splice acceptor site of the intron before coding-DNA position 363, G replaced by C.
Molecular consequence: splice acceptor variant.
Genome position (GRCh38, 1-based): chr11:102,954,607, C>G on the plus strand (G>C on the coding strand, the complement: MMP13 is on the minus strand). VCF-style: chr11-102954607-C-G. GRCh37 (hg19) VCF-style: chr11-102825336-C-G.
Identifiers: ClinVar variation 5036712 (VCV005036712.1).